The following is an entry in ClinVar:

ClinVar aggregate classification (germline): Pathogenic/Likely pathogenic. Review status: criteria provided, multiple submitters, no conflicts (2 of 4 stars). 2 submissions from 2 submitters: Pathogenic (1); Likely pathogenic (1). Last evaluated 2024-12-05.

Conditions:
Mucopolysaccharidosis, MPS-IV-A (MPS4A). Also called: Mucopolysaccharidosis type IV A; Mucopolysaccharidosis Type IVA; Morquio syndrome A, mild; MORQUIO SYNDROME A; GALACTOSAMINE-6-SULFATASE DEFICIENCY; GALNS DEFICIENCY. Identifiers: Orphanet 309297, Orphanet 582, MedGen C0086651, MONDO:0009659, OMIM 253000.

Submissions (2):

Labcorp Genetics (formerly Invitae), Labcorp
Classification: Pathogenic for Mucopolysaccharidosis, MPS-IV-A. Last evaluated: 2024-12-05. Review status: criteria provided, single submitter. Criteria: Invitae Variant Classification Sherloc (09022015). Collection method: clinical testing. Allele origin: germline.
Comment: This sequence change affects the initiator methionine of the GALNS mRNA. The next in-frame methionine is located at codon 22. This variant is not present in population databases (gnomAD no frequency). This variant has not been reported in the literature in individuals affected with GALNS-related conditions. ClinVar contains an entry for this variant (Variation ID: 2893994). This variant disrupts a region of the GALNS protein in which other variant(s) (p.Met1?) have been determined to be pathogenic (PMID: 15241807). This suggests that this is a clinically significant region of the protein, and that variants that disrupt it are likely to be disease-causing. For these reasons, this variant has been classified as Pathogenic.

Fulgent Genetics
Classification: Likely pathogenic for Mucopolysaccharidosis, MPS-IV-A. Last evaluated: 2023-12-23. Review status: criteria provided, single submitter. Criteria: ACMG Guidelines, 2015. Collection method: clinical testing. Allele origin: germline.

Literature cited by the submitters: PubMed 15241807 (cited by Labcorp Genetics (formerly Invitae), Labcorp).

NM_000512.5(GALNS):c.-2_13del (p.Met1_Val5del)

Genes: GALNS (galactosamine (N-acetyl)-6-sulfatase; minus strand), TRAPPC2L (trafficking protein particle complex subunit 2L; plus strand), LOC130059762 (ATAC-STARR-seq lymphoblastoid silent region 7883; plus strand). Cytogenetic location: 16q24.3.
Variant type: Deletion.
Coding change: c.-2_13del on transcript NM_000512.5 (MANE Select); 2 bases upstream of the start codon through coding-DNA position 13, 15 bases deleted (CCATGGCGGCGGTTG).
Protein change: p.Met1_Val5del.
Molecular consequence: inframe deletion, initiator codon variant. On other transcripts: 5 prime UTR variant (2).
Genome position (GRCh38, 1-based): chr16:88,856,865-88,856,879, CAACCGCCGCCATGG deleted on the plus strand (CCATGGCGGCGGTTG on the coding strand, the reverse complement: GALNS is on the minus strand); deleting any 15 consecutive bases within chr16:88,856,865-88,856,884 gives the same sequence; the c. name uses the placement nearest the transcript's 3' end. VCF-style (leftmost placement, unchanged base first): chr16-88856864-ACAACCGCCGCCATGG-A. GRCh37 (hg19) VCF-style: chr16-88923272-ACAACCGCCGCCATGG-A.
Other names: c.-433_-419del (NM_001323543.2); c.-154_-140del (NM_001323544.2).
Identifiers: ClinVar variation 2893994 (VCV002893994.4), dbSNP rs2543661181, ClinGen allele CA2739266962.
Genomic context (GRCh38, chr16:88,856,864, plus strand): 5'-GAGGCCCCCATCCCCGCGGCGCTGAGCACCAGCAACAGCTGCCACCACCTCGTCGCCGCG[ACAACCGCCGCCATGG>A]CAACCACGGGAGCCGCGGAGCCCCGGCCAGCGAGCCGACCTAGCGAGCGTCCGCCGGCCC-3'